The following is an entry in ClinVar:

NM_016343.4(CENPF):c.7166C>G (p.Thr2389Ser)

Gene: CENPF (centromere protein F; plus strand). Cytogenetic location: 1q41.
Variant type: single nucleotide variant.
Coding change: c.7166C>G on transcript NM_016343.4 (MANE Select); coding-DNA position 7166, C replaced by G.
Protein change: p.Thr2389Ser; replaces threonine 2389 with serine.
Molecular consequence: missense variant.
Genome position (GRCh38, 1-based): chr1:214,646,736, C>G. VCF-style: chr1-214646736-C-G. GRCh37 (hg19) VCF-style: chr1-214820079-C-G.
Other names: short protein forms T2389S.
Identifiers: ClinVar variation 735502 (VCV000735502.9), dbSNP rs142605836, ClinGen allele CA1391070.
Genomic context (GRCh38, chr1:214,646,736, plus strand): 5'-TAAAAGCAAAAATAGAAGGGATGACCCAAAGTCTGAGAGGTCTGGAATTAGATGTTGTTA[C>G]TATAAGGTCAGAAAAAGAAAATCTGACAAATGAATTACAAAAAGAGCAAGAGCGAATATC-3'
Protein context (NP_057427.3, residues 2379-2399): SLRGLELDVV[Thr2389Ser]IRSEKENLTN

ClinVar aggregate classification (germline): Conflicting classifications of pathogenicity. Review status: criteria provided, conflicting classifications (1 of 4 stars). 4 submissions from 4 submitters: Uncertain significance (1); Likely benign (2). 1 of the submissions does not count toward it. Last evaluated 2025-05-15.

Conditions:
CENPF-related disorder. Also called: CENPF-related condition.
Inborn genetic diseases. Identifiers: MedGen C0950123, MeSH D030342.

Allele frequency attached by ClinVar (database versions not stated): TOPMed 0.00091; ESP Exome Variant Server 0.00154; gnomAD exomes 0.00024; ExAC 0.00032; 1000 Genomes Project 0.00040; 1000 Genomes Project 30x 0.00047; gnomAD 0.00082 and 0.00089.
gnomAD v4.1: 246 of 1,613,848 alleles (0.015%); highest among the groups gnomAD compares: African/African-American, 0.3%; no homozygotes.

Submissions (4):

Labcorp Genetics (formerly Invitae), Labcorp
Classification: Likely benign. Last evaluated: 2025-05-15. Review status: criteria provided, single submitter. Criteria: Invitae Variant Classification Sherloc (09022015). Collection method: clinical testing. Allele origin: germline.

Ambry Genetics
Classification: Uncertain significance for Inborn genetic diseases. Last evaluated: 2024-07-02. Review status: criteria provided, single submitter. Criteria: Ambry Variant Classification Scheme 2023. Collection method: clinical testing. Allele origin: germline.

GeneDx
Classification: Likely benign. Last evaluated: 2021-01-28. Review status: criteria provided, single submitter. Criteria: GeneDx Variant Classification Process June 2021. Collection method: clinical testing. Allele origin: germline. Affected: yes.

PreventionGenetics, part of Exact Sciences
Classification: Likely benign for CENPF-related condition. Last evaluated: 2023-03-06. Review status: no assertion criteria provided. Collection method: clinical testing. Allele origin: germline. Not counted in ClinVar's aggregate classification.
Comment: This variant is classified as likely benign based on ACMG/AMP sequence variant interpretation guidelines (Richards et al. 2015 PMID: 25741868, with internal and published modifications).